The following is an entry in ClinVar:

NM_006073.4(TRDN):c.1158T>C (p.Pro386=)

Gene: TRDN (triadin; minus strand). Cytogenetic location: 6q22.31.
Variant type: single nucleotide variant.
Coding change: c.1158T>C on transcript NM_006073.4 (MANE Select); coding-DNA position 1158, T replaced by C.
Protein change: p.Pro386=; no amino-acid change (proline 386 retained).
Molecular consequence: synonymous variant.
Genome position (GRCh38, 1-based): chr6:123,382,125, A>G on the plus strand (T>C on the coding strand, the complement: TRDN is on the minus strand). VCF-style: chr6-123382125-A-G. GRCh37 (hg19) VCF-style: chr6-123703270-A-G.
Other names: c.1161T>C, p.Pro387= (NM_001251987.2); c.1101T>C, p.Pro367= (NM_001407315.1).
Identifiers: ClinVar variation 4281532 (VCV004281532.7).

ClinVar aggregate classification (germline): Likely benign (1 of 4 stars; one submission).

Submission:

CeGaT Center for Human Genetics Tuebingen
Classification: Likely benign. Last evaluated: 2025-09-01. Review status: criteria provided, single submitter. Criteria: CeGaT Center For Human Genetics Tuebingen Variant Classification Criteria Version 2. Collection method: clinical testing. Allele origin: germline. Affected: yes. Observed: 1 variant allele.
Comment: TRDN: PM2:Supporting, BP4, BP7